The following is an entry in ClinVar:

NM_000179.3(MSH6):c.3438G>A (p.Gln1146=)

Gene: MSH6 (mutS homolog 6; plus strand). Cytogenetic location: 2p16.3.
Variant type: single nucleotide variant.
Coding change: c.3438G>A on transcript NM_000179.3 (MANE Select); coding-DNA position 3438, G replaced by A.
Protein change: p.Gln1146=; no amino-acid change (glutamine 1146 retained).
Molecular consequence: synonymous variant. On other transcripts: non-coding transcript variant (5).
Genome position (GRCh38, 1-based): chr2:47,803,685, G>A. VCF-style: chr2-47803685-G-A. GRCh37 (hg19) VCF-style: chr2-48030824-G-A.
Other names: c.3141G>A, p.Gln1047= (NM_001406820.1, NM_001406821.1, NM_001406822.1 and 10 more transcripts); c.3048G>A, p.Gln1016= (NM_001281492.2); c.2532G>A, p.Gln844= (NM_001281493.2, NM_001281494.2, NM_001406811.1 and 6 more transcripts); c.3534G>A, p.Gln1178= (NM_001406795.1, NM_001406802.1); c.3438G>A, p.Gln1146= (NM_001406796.1, NM_001406800.1, NM_001406808.1 and 1 more transcripts); c.3264G>A, p.Gln1088= (NM_001406798.1); c.2913G>A, p.Gln971= (NM_001406799.1, NM_001406806.1, NM_001406807.1); c.2574G>A, p.Gln858= (NM_001406803.1); and 7 more.
Identifiers: ClinVar variation 3913756 (VCV003913756.1).

ClinVar aggregate classification (germline): Uncertain significance (1 of 4 stars; one submission).

Conditions:
Hereditary cancer-predisposing syndrome. Also called: Hereditary Cancer Syndrome; Hereditary neoplastic syndrome; Neoplastic Syndromes, Hereditary; Tumor predisposition. Identifiers: Orphanet 140162, MedGen C0027672, MeSH D009386, MONDO:0015356.

Submission:

Ambry Genetics
Classification: Uncertain significance for Hereditary cancer-predisposing syndrome. Last evaluated: 2025-05-13. Review status: criteria provided, single submitter. Criteria: Ambry Variant Classification Scheme 2023. Collection method: clinical testing. Allele origin: germline.
Comment: The c.3438G>A variant (also known as p.Q1146Q), located in coding exon 5 of the MSH6 gene, results from a G to A substitution at nucleotide position 3438. This nucleotide substitution does not change the at codon 1146. However, this change occurs in the last base pair of coding exon 5, which makes it likely to have some effect on normal mRNA splicing. In silico splice site analysis predicts that this alteration may weaken the native splice donor site; however, direct evidence is insufficient at this time (Ambry internal data). Based on the available evidence, the clinical significance of this variant remains unclear.